The following is an entry in ClinVar:

NM_032607.3(CREB3L3):c.775G>C (p.Glu259Gln)

Gene: CREB3L3 (cAMP responsive element binding protein 3 like 3; plus strand). Cytogenetic location: 19p13.3.
Variant type: single nucleotide variant.
Coding change: c.775G>C on transcript NM_032607.3 (MANE Select); coding-DNA position 775, G replaced by C.
Protein change: p.Glu259Gln; replaces glutamic acid 259 with glutamine.
Molecular consequence: missense variant. On other transcripts: intron variant (1).
Genome position (GRCh38, 1-based): chr19:4,168,411, G>C. VCF-style: chr19-4168411-G-C. GRCh37 (hg19) VCF-style: chr19-4168408-G-C.
Other names: c.772G>C, p.Glu258Gln (NM_001271995.2); c.769G>C, p.Glu257Gln (NM_001271996.2); c.715-1729G>C (NM_001271997.2); short protein forms E258Q, E257Q, E259Q.
Identifiers: ClinVar variation 3269457 (VCV003269457.1).
Genomic context (GRCh38, chr19:4,168,411, plus strand): 5'-TACGAGGAGCGAGTGCTGAAAAAAATCCGCCGGAAAATCCGGAACAAGCAGTCGGCGCAA[G>C]AAAGCAGGAAGAAGAAGAAGGAATATATCGATGGCCTGGAGACTCGGTGGGTAGTGCTGG-3'
Protein context (NP_115996.1, residues 249-269): RKIRNKQSAQ[Glu259Gln]SRKKKKEYID

ClinVar aggregate classification (germline): Uncertain significance (1 of 4 stars; one submission).

Submission:

Ambry Genetics
Classification: Uncertain significance. Last evaluated: 2024-03-28. Review status: criteria provided, single submitter. Criteria: Ambry Variant Classification Scheme 2023. Collection method: clinical testing. Allele origin: germline.
Comment: Does not currently meet published gene-disease clinical validity criteria Based on insufficient or conflicting evidence, the clinical significance of this alteration remains unclear.

Literature cited by the submitters: PubMed 28106320.